The following is an entry in ClinVar:

ClinVar aggregate classification (germline): Uncertain significance (1 of 4 stars; one submission).

Conditions:
Duchenne muscular dystrophy (DMD). Also called: MUSCULAR DYSTROPHY, PSEUDOHYPERTROPHIC PROGRESSIVE, DUCHENNE TYPE; Duchenne Muscular Dystrophy (DMD). Identifiers: Orphanet 98896, MedGen C0013264, MONDO:0010679, OMIM 310200.

Allele frequency attached by ClinVar (database versions not stated): TOPMed below 0.00001; gnomAD 0.00001.
gnomAD v4.1: 1 of 1,210,097 alleles (0.000083%); highest among the groups gnomAD compares: Non-Finnish European, 0.00011%; no homozygotes.

Submission:

Labcorp Genetics (formerly Invitae), Labcorp
Classification: Uncertain significance for Duchenne muscular dystrophy. Last evaluated: 2025-07-27. Review status: criteria provided, single submitter. Criteria: Invitae Variant Classification Sherloc (09022015). Collection method: clinical testing. Allele origin: germline.
Comment: This sequence change replaces leucine, which is neutral and non-polar, with proline, which is neutral and non-polar, at codon 644 of the DMD protein (p.Leu644Pro). This variant is present in population databases (no rsID available, gnomAD 0.001%). This variant has not been reported in the literature in individuals affected with DMD-related conditions. ClinVar contains an entry for this variant (Variation ID: 2167073). Invitae Evidence Modeling of protein sequence and biophysical properties (such as structural, functional, and spatial information, amino acid conservation, physicochemical variation, residue mobility, and thermodynamic stability) indicates that this missense variant is not expected to disrupt DMD protein function with a negative predictive value of 95%. In summary, the available evidence is currently insufficient to determine the role of this variant in disease. Therefore, it has been classified as a Variant of Uncertain Significance.

NM_004006.3(DMD):c.1931T>C (p.Leu644Pro)

Gene: DMD (dystrophin; minus strand). Cytogenetic location: Xp21.1.
Variant type: single nucleotide variant.
Coding change: c.1931T>C on transcript NM_004006.3 (MANE Select); coding-DNA position 1931, T replaced by C.
Protein change: p.Leu644Pro; replaces leucine 644 with proline.
Molecular consequence: missense variant.
Genome position (GRCh38, 1-based): chrX:32,565,763, A>G on the plus strand (T>C on the coding strand, the complement: DMD is on the minus strand). VCF-style: chrX-32565763-A-G. GRCh37 (hg19) VCF-style: chrX-32583880-A-G.
Other names: c.1907T>C, p.Leu636Pro (NM_000109.4); c.1919T>C, p.Leu640Pro (NM_004009.3); c.1562T>C, p.Leu521Pro (NM_004010.3); short protein forms L636P, L644P, L521P, L640P.
Identifiers: ClinVar variation 2167073 (VCV002167073.4), dbSNP rs1404072059, ClinGen allele CA412672500.